The following is an entry in ClinVar:

NM_201384.3(PLEC):c.5024G>A (p.Arg1675Gln)

Gene: PLEC (plectin; minus strand). Cytogenetic location: 8q24.3.
Variant type: single nucleotide variant.
Coding change: c.5024G>A on transcript NM_201384.3 (MANE Select); coding-DNA position 5024, G replaced by A.
Protein change: p.Arg1675Gln; replaces arginine 1675 with glutamine.
Molecular consequence: missense variant.
Genome position (GRCh38, 1-based): chr8:143,924,905, C>T on the plus strand (G>A on the coding strand, the complement: PLEC is on the minus strand). VCF-style: chr8-143924905-C-T. GRCh37 (hg19) VCF-style: chr8-144999073-C-T.
Other names: c.5105G>A, p.Arg1702Gln (NM_000445.5); c.4982G>A, p.Arg1661Gln (NM_201378.4); c.4958G>A, p.Arg1653Gln (NM_201379.3); c.5435G>A, p.Arg1812Gln (NM_201380.4); c.4928G>A, p.Arg1643Gln (NM_201381.3); c.5024G>A, p.Arg1675Gln (NM_201382.4); c.5036G>A, p.Arg1679Gln (NM_201383.3); short protein forms R1643Q, R1653Q, R1661Q, R1675Q, R1679Q, R1702Q, R1812Q.
Identifiers: ClinVar variation 196748 (VCV000196748.48), dbSNP rs370569372, ClinGen allele CA243966.

ClinVar aggregate classification (germline): Conflicting classifications of pathogenicity. Review status: criteria provided, conflicting classifications (1 of 4 stars). 12 submissions from 12 submitters: Uncertain significance (3); Likely benign (6). 3 of the submissions do not count toward it. Last evaluated 2026-09-01.

Conditions:
PLEC-related disorder. Also called: PLEC-related condition; PLEC-related disorders.
Epidermolysis bullosa simplex 5B, with muscular dystrophy (EBS5B). Also called: Epidermolysis bullosa simplex with muscular dystrophy; EPIDERMOLYSIS BULLOSA SIMPLEX AND LIMB-GIRDLE MUSCULAR DYSTROPHY. Identifiers: Orphanet 257, MedGen C2931072, MONDO:0009181, OMIM 226670.
Epidermolysis bullosa simplex with nail dystrophy (EBS5D). Identifiers: MedGen C4225309, MONDO:0014661, OMIM 616487.
Autosomal recessive limb-girdle muscular dystrophy type 2Q (LGMDR17). Also called: MUSCULAR DYSTROPHY, LIMB-GIRDLE, AUTOSOMAL RECESSIVE 17. Identifiers: Orphanet 254361, MedGen C3150989, MONDO:0013390, OMIM 613723.
Epidermolysis bullosa simplex 5C, with pyloric atresia (EBS5C). Also called: PLEC-Related Epidermolysis Bullosa with Pyloric Atresia; PLEC1-Related Epidermolysis Bullosa with Pyloric Atresia; Epidermolysis bullosa simplex with pyloric atresia. Identifiers: Orphanet 158684, MedGen C2677349, MONDO:0012807, OMIM 612138.
Junctional epidermolysis bullosa with pyloric atresia. Also called: EPIDERMOLYSIS BULLOSA, JUNCTIONAL 5B, WITH PYLORIC ATRESIA; Junctional Epidermolysis Bullosa- Pyloric Atresia Syndrome; Epidermolysis bullosa, junctional, with pyloric atresia and aplasia cutis congenita; Epidermolysis bullosa junctionalis with pyloric atresia; CARMI SYNDROME; EB-PA-ACC. Identifiers: Orphanet 79403, MedGen C5676875, MONDO:0009183, OMIM 226730.
Epidermolysis bullosa simplex, Ogna type (EBS5A). Also called: Pidermolysis bullosa simplex 5A, Ogna type; EPIDERMOLYSIS BULLOSA SIMPLEX 5A, OGNA TYPE. Identifiers: Orphanet 79401, MedGen C0432317, MONDO:0007555, OMIM 131950.

Allele frequency attached by ClinVar (database versions not stated): 1000 Genomes Project 30x 0.00031; ESP Exome Variant Server 0.00046; gnomAD 0.00064 and 0.00066; gnomAD exomes 0.00065 and 0.00108; TOPMed 0.00066; ExAC 0.00080.
gnomAD v4.1: 1,650 of 1,585,642 alleles (0.1%); highest among the groups gnomAD compares: Non-Finnish European, 0.13%; 2 homozygotes.

Submissions (12):

CeGaT Center for Human Genetics Tuebingen
Classification: Likely benign. Last evaluated: 2026-09-01. Review status: criteria provided, single submitter. Criteria: CeGaT Center For Human Genetics Tuebingen Variant Classification Criteria Version 2. Collection method: clinical testing. Allele origin: germline. Affected: yes. Observed: 8 variant alleles.
Comment: PLEC: BS2

PreventionGenetics, part of Exact Sciences
Classification: Uncertain significance for PLEC-related condition. Last evaluated: 2026-06-16. Review status: criteria provided, single submitter. Criteria: ACMG Guidelines, 2015. Collection method: clinical testing. Allele origin: germline.
Comment: The PLEC c.5105G>A variant is predicted to result in the amino acid substitution p.Arg1702Gln. To our knowledge, this variant has not been reported in the literature. This variant is reported in 0.11% of alleles in individuals of European (non-Finnish) descent in gnomAD. Although we suspect that this variant may be benign, at this time, the clinical significance of this variant is uncertain due to the absence of conclusive functional and genetic evidence.

Labcorp Genetics (formerly Invitae), Labcorp
Classification: Likely benign for Autosomal recessive limb-girdle muscular dystrophy type 2Q; Epidermolysis bullosa simplex, Ogna type; Epidermolysis bullosa simplex with nail dystrophy; Epidermolysis bullosa simplex 5C, with pyloric atresia; Epidermolysis bullosa simplex 5B, with muscular dystrophy. Last evaluated: 2026-01-23. Review status: criteria provided, single submitter. Criteria: Invitae Variant Classification Sherloc (09022015). Collection method: clinical testing. Allele origin: germline.

Blueprint Genetics
Classification: Likely benign. Last evaluated: 2024-11-21. Review status: criteria provided, single submitter. Criteria: ACMG Guidelines, 2015. Collection method: clinical testing. Allele origin: germline.

Women's Health and Genetics/Laboratory Corporation of America, LabCorp
Classification: Likely benign. Last evaluated: 2024-01-04. Review status: criteria provided, single submitter. Criteria: LabCorp Variant Classification Summary - May 2015. Collection method: clinical testing. Allele origin: germline.
Comment: Variant summary: PLEC1 c.5105G>A (p.Arg1702Gln) results in a conservative amino acid change in the encoded protein sequence. Five of five in-silico tools predict a benign effect of the variant on protein function. The variant allele was found at a frequency of 0.001 in 1585642 control chromosomes in the gnomAD v4 database, including 2 homozygotes. c.5105G>A has been reported in the literature in one individual affected with posterior segment uveitis (Li_2020). The report does not provide unequivocal conclusions about association of the variant with PLEC1-Related Disorders. To our knowledge, no experimental evidence demonstrating an impact on protein function has been reported. The following publication have been ascertained in the context of this evaluation (PMID: 3270720). Five submitters have cited clinical-significance assessments for this variant to ClinVar after 2014 and classified this variant as uncertain significance (n=1) and likely benign (n=4). Based on the evidence outlined above, the variant was classified as likely benign.

Department of Pathology and Laboratory Medicine, Sinai Health System
Classification: Uncertain significance for Epidermolysis bullosa simplex, Ogna type; Epidermolysis bullosa simplex 5B, with muscular dystrophy; Junctional epidermolysis bullosa with pyloric atresia; Epidermolysis bullosa simplex 5C, with pyloric atresia; Autosomal recessive limb-girdle muscular dystrophy type 2Q; Epidermolysis bullosa simplex with nail dystrophy. Last evaluated: 2021-11-08. Review status: criteria provided, single submitter. Criteria: ACMG Guidelines, 2015. Collection method: research. Allele origin: germline.

GeneDx
Classification: Likely benign. Last evaluated: 2020-04-27. Review status: criteria provided, single submitter. Criteria: GeneDx Variant Classification Process June 2021. Collection method: clinical testing. Allele origin: germline. Affected: yes.
Comment: This variant is associated with the following publications: (PMID: 32707200)

Athena Diagnostics
Classification: Likely benign. Last evaluated: 2019-10-31. Review status: criteria provided, single submitter. Criteria: Athena Diagnostics Criteria. Collection method: clinical testing. Allele origin: unknown.

Eurofins Ntd Llc (ga)
Classification: Uncertain significance. Last evaluated: 2018-06-05. Review status: criteria provided, single submitter. Criteria: EGL ClinVar v180209 classification definitions. Collection method: clinical testing. Allele origin: germline. Observed: 7 variant alleles, 7 heterozygotes.

Clinical Genetics, Academic Medical Center
Classification: Uncertain significance. Review status: no assertion criteria provided. Collection method: clinical testing. Allele origin: germline. Affected: yes. Study: VKGL Data-share Consensus. Not counted in ClinVar's aggregate classification.

Diagnostic Laboratory, Department of Genetics, University Medical Center Groningen
Classification: Uncertain significance. Review status: no assertion criteria provided. Collection method: clinical testing. Allele origin: germline. Affected: yes. Study: VKGL Data-share Consensus. Not counted in ClinVar's aggregate classification.

Genome Diagnostics Laboratory, Amsterdam University Medical Center
Classification: Uncertain significance. Review status: no assertion criteria provided. Collection method: clinical testing. Allele origin: germline. Affected: yes. Study: VKGL Data-share Consensus. Not counted in ClinVar's aggregate classification.

Literature cited by the submitters: PubMed 32707200 (cited by Women's Health and Genetics/Laboratory Corporation of America, LabCorp).